The following is an entry in ClinVar:

NM_032737.4(LMNB2):c.1597G>A (p.Ala533Thr)

Gene: LMNB2 (lamin B2; minus strand). Cytogenetic location: 19p13.3.
Variant type: single nucleotide variant.
Coding change: c.1597G>A on transcript NM_032737.4 (MANE Select); coding-DNA position 1597, G replaced by A.
Protein change: p.Ala533Thr; replaces alanine 533 with threonine.
Molecular consequence: missense variant.
Genome position (GRCh38, 1-based): chr19:2,431,896, C>T on the plus strand (G>A on the coding strand, the complement: LMNB2 is on the minus strand). VCF-style: chr19-2431896-C-T. GRCh37 (hg19) VCF-style: chr19-2431894-C-T.
Other names: short protein forms A533T.
Identifiers: ClinVar variation 1060716 (VCV001060716.9), dbSNP rs779286652, ClinGen allele CA9067405.

ClinVar aggregate classification (germline): Uncertain significance (1 of 4 stars; one submission).

Conditions:
Progressive myoclonic epilepsy type 9. Identifiers: Orphanet 457265, MedGen C4225289, MONDO:0014685, OMIM 616540.
Lipodystrophy, partial, acquired, susceptibility to (APLD). Also called: APLD, SUSCEPTIBILITY TO. Identifiers: MedGen C3887501, MONDO:0100476, OMIM 608709.

Allele frequency attached by ClinVar (database versions not stated): gnomAD exomes 0.00001; TOPMed 0.00001; ExAC 0.00002.

Submission:

Labcorp Genetics (formerly Invitae), Labcorp
Classification: Uncertain significance for Progressive myoclonic epilepsy type 9; Lipodystrophy, partial, acquired, susceptibility to. Last evaluated: 2023-12-09. Review status: criteria provided, single submitter. Criteria: Invitae Variant Classification Sherloc (09022015). Collection method: clinical testing. Allele origin: germline.
Comment: This sequence change replaces alanine, which is neutral and non-polar, with threonine, which is neutral and polar, at codon 533 of the LMNB2 protein (p.Ala533Thr). The frequency data for this variant in the population databases is considered unreliable, as metrics indicate poor data quality at this position in the gnomAD database. This variant has not been reported in the literature in individuals affected with LMNB2-related conditions. ClinVar contains an entry for this variant (Variation ID: 1060716). Advanced modeling of protein sequence and biophysical properties (such as structural, functional, and spatial information, amino acid conservation, physicochemical variation, residue mobility, and thermodynamic stability) performed at Invitae indicates that this missense variant is expected to disrupt LMNB2 protein function with a positive predictive value of 80%. In summary, the available evidence is currently insufficient to determine the role of this variant in disease. Therefore, it has been classified as a Variant of Uncertain Significance.